The following is an entry in ClinVar:

ClinVar aggregate classification (germline): Uncertain significance. Review status: criteria provided, multiple submitters, no conflicts (2 of 4 stars). 7 submissions from 7 submitters: Uncertain significance (7). Last evaluated 2026-10-01.

Conditions:
Endometrial carcinoma. Also called: Endometrial carcinoma, somatic. Identifiers: MedGen C0476089, MONDO:0002447, OMIM 608089, HP:0012114.
MSH3-related disorder. Also called: MSH3-related condition.
Familial adenomatous polyposis 4 (FAP4). Also called: MSH3-related attenuated familial adenomatous polyposis. Identifiers: Orphanet 480536, MedGen C4310719, MONDO:0044300, OMIM 617100.
Hereditary cancer-predisposing syndrome. Also called: Hereditary Cancer Syndrome; Neoplastic Syndromes, Hereditary; Tumor predisposition; Hereditary neoplastic syndrome. Identifiers: Orphanet 140162, MedGen C0027672, MeSH D009386, MONDO:0015356.

Allele frequency attached by ClinVar (database versions not stated): ExAC 0.00002; gnomAD exomes 0.00004 and 0.00017; gnomAD 0.00009 and 0.00010; TOPMed 0.00009.
gnomAD v4.1: 255 of 1,613,718 alleles (0.016%); highest among the groups gnomAD compares: Non-Finnish European, 0.021%; no homozygotes.

Submissions (7):

St. Jude Molecular Pathology, St. Jude Children's Research Hospital
Classification: Uncertain significance for Familial adenomatous polyposis 4. Last evaluated: 2026-10-01. Review status: criteria provided, single submitter. Criteria: St. Jude Assertion Criteria 2020. Collection method: clinical testing. Allele origin: germline.
Comment: The MSH3 c.3188T>C p.(Ile1063Thr) missense change has a maximum subpopulation frequency of 0.009% in gnomAD v2.1.1. The in silico tool REVEL is inconclusive a bout a pathogenic or benign effect of this variant on protein function, and to our knowledge functional studies have not been performed. To our knowledge, this variant has not been reported in individuals with MSH3-associated polyposis syndrome. In summa ry, the evidence currently available is insufficient to determine the clinical significance of this variant. It has therefore been classified as of uncertain significance.

Labcorp Genetics (formerly Invitae), Labcorp
Classification: Uncertain significance. Last evaluated: 2026-01-31. Review status: criteria provided, single submitter. Criteria: Invitae Variant Classification Sherloc (09022015). Collection method: clinical testing. Allele origin: germline.
Comment: This sequence change replaces isoleucine, which is neutral and non-polar, with threonine, which is neutral and polar, at codon 1063 of the MSH3 protein (p.Ile1063Thr). This variant is present in population databases (rs758008315, gnomAD 0.009%). This variant has not been reported in the literature in individuals affected with MSH3-related conditions. ClinVar contains an entry for this variant (Variation ID: 650997). An algorithm developed to predict the effect of missense changes on protein structure and function outputs the following: PolyPhen-2: "Benign". The threonine amino acid residue is found in multiple mammalian species, which suggests that this missense change does not adversely affect protein function. In summary, the available evidence is currently insufficient to determine the role of this variant in disease. Therefore, it has been classified as a Variant of Uncertain Significance.

PreventionGenetics, part of Exact Sciences
Classification: Uncertain significance for MSH3-related condition. Last evaluated: 2025-12-30. Review status: criteria provided, single submitter. Criteria: ACMG Guidelines, 2015. Collection method: clinical testing. Allele origin: germline.
Comment: The MSH3 c.3188T>C variant is predicted to result in the amino acid substitution p.Ile1063Thr. To our knowledge, this variant has not been reported in the literature. This variant is reported in 0.0085% of alleles in individuals of European (Non-Finnish) descent in gnomAD and interpreted as uncertain in ClinVar (Variation ID: 650997). At this time, the clinical significance of this variant is uncertain due to the absence of conclusive functional and genetic evidence.

Ambry Genetics
Classification: Uncertain significance for Hereditary cancer-predisposing syndrome. Last evaluated: 2025-04-01. Review status: criteria provided, single submitter. Criteria: Ambry Variant Classification Scheme 2023. Collection method: clinical testing. Allele origin: germline.

Quest Diagnostics Nichols Institute San Juan Capistrano
Classification: Uncertain significance. Last evaluated: 2024-12-20. Review status: criteria provided, single submitter. Criteria: Quest Diagnostics criteria. Collection method: clinical testing. Allele origin: unknown.
Comment: The MSH3 c.3188T>C (p.Ile1063Thr) variant has not been reported in individuals with MSH3-related conditions in the published literature. The frequency of this variant in the general population (Genome Aggregation Database) is uninformative in the assessment of its pathogenicity. Analysis of this variant using bioinformatics tools for the prediction of the effect of amino acid changes on protein structure and function yielded conflicting predictions that this variant is benign or damaging. Based on the available information, we are unable to determine the clinical significance of this variant.

GeneDx
Classification: Uncertain significance. Last evaluated: 2024-04-30. Review status: criteria provided, single submitter. Criteria: GeneDx Variant Classification Process June 2021. Collection method: clinical testing. Allele origin: germline.
Comment: Not observed at significant frequency in large population cohorts (gnomAD); In silico analysis indicates that this missense variant does not alter protein structure/function; Has not been previously published as pathogenic or benign to our knowledge

Baylor Genetics
Classification: Uncertain significance for Endometrial carcinoma. Last evaluated: 2024-03-18. Review status: criteria provided, single submitter. Criteria: ACMG Guidelines, 2015. Collection method: clinical testing. Allele origin: unknown.

NM_002439.5(MSH3):c.3188T>C (p.Ile1063Thr)

Gene: MSH3 (mutS homolog 3; plus strand). Cytogenetic location: 5q14.1.
Variant type: single nucleotide variant.
Coding change: c.3188T>C on transcript NM_002439.5 (MANE Select); coding-DNA position 3188, T replaced by C.
Protein change: p.Ile1063Thr; replaces isoleucine 1063 with threonine.
Molecular consequence: missense variant.
Genome position (GRCh38, 1-based): chr5:80,873,173, T>C. VCF-style: chr5-80873173-T-C. GRCh37 (hg19) VCF-style: chr5-80168992-T-C.
Other names: short protein forms I1063T.
Identifiers: ClinVar variation 650997 (VCV000650997.24), dbSNP rs758008315, ClinGen allele CA3328479.
Genomic context (GRCh38, chr5:80,873,173, plus strand): 5'-CAGGCGCAGCAGAACAAGTCCCTGATTTTGTCACCTTCCTTTACCAAATAACTAGAGGAA[T>C]TGCAGCAAGGAGTTATGGATTAAATGTGGCTAAACTAGCAGATGTTCCTGGAGAAATTTT-3'
Protein context (NP_002430.3, residues 1053-1073): VTFLYQITRG[Ile1063Thr]AARSYGLNVA